The following is an entry in ClinVar:

ClinVar aggregate classification (germline): Uncertain significance (1 of 4 stars; one submission).

Allele frequency attached by ClinVar (database versions not stated): gnomAD exomes below 0.00001 and 0.00001.
gnomAD v4.1: 5 of 1,573,946 alleles (0.00032%); highest among the groups gnomAD compares: South Asian, 0.0047%; no homozygotes.

Submission:

Labcorp Genetics (formerly Invitae), Labcorp
Classification: Uncertain significance. Last evaluated: 2024-03-15. Review status: criteria provided, single submitter. Criteria: Invitae Variant Classification Sherloc (09022015). Collection method: clinical testing. Allele origin: germline.
Comment: This sequence change replaces asparagine, which is neutral and polar, with serine, which is neutral and polar, at codon 1824 of the MYO7A protein (p.Asn1824Ser). The frequency data for this variant in the population databases is considered unreliable, as metrics indicate poor data quality at this position in the gnomAD database. This variant has not been reported in the literature in individuals affected with MYO7A-related conditions. ClinVar contains an entry for this variant (Variation ID: 1057770). Advanced modeling of protein sequence and biophysical properties (such as structural, functional, and spatial information, amino acid conservation, physicochemical variation, residue mobility, and thermodynamic stability) performed at Invitae indicates that this missense variant is expected to disrupt MYO7A protein function with a positive predictive value of 95%. In summary, the available evidence is currently insufficient to determine the role of this variant in disease. Therefore, it has been classified as a Variant of Uncertain Significance.

NM_000260.4(MYO7A):c.5471A>G (p.Asn1824Ser)

Gene: MYO7A (myosin VIIA; plus strand). Cytogenetic location: 11q13.5.
Variant type: single nucleotide variant.
Coding change: c.5471A>G on transcript NM_000260.4 (MANE Select); coding-DNA position 5471, A replaced by G.
Protein change: p.Asn1824Ser; replaces asparagine 1824 with serine.
Molecular consequence: missense variant.
Genome position (GRCh38, 1-based): chr11:77,204,220, A>G. VCF-style: chr11-77204220-A-G. GRCh37 (hg19) VCF-style: chr11-76915265-A-G.
Other names: c.5357A>G, p.Asn1786Ser (NM_001127180.2); c.5324A>G, p.Asn1775Ser (NM_001369365.1); short protein forms N1775S, N1786S, N1824S.
Identifiers: ClinVar variation 1057770 (VCV001057770.10), dbSNP rs1198189990, ClinGen allele CA381952799.